The following is an entry in ClinVar:

NM_018706.7(DHTKD1):c.464A>G (p.Lys155Arg)

Gene: DHTKD1 (dehydrogenase E1 and transketolase domain containing 1; plus strand). Cytogenetic location: 10p14.
Variant type: single nucleotide variant.
Coding change: c.464A>G on transcript NM_018706.7 (MANE Select); coding-DNA position 464, A replaced by G.
Protein change: p.Lys155Arg; replaces lysine 155 with arginine.
Molecular consequence: missense variant.
Genome position (GRCh38, 1-based): chr10:12,084,693, A>G. VCF-style: chr10-12084693-A-G. GRCh37 (hg19) VCF-style: chr10-12126692-A-G.
Other names: short protein forms K155R.
Identifiers: ClinVar variation 3694770 (VCV003694770.2).

ClinVar aggregate classification (germline): Uncertain significance (1 of 4 stars; one submission).

Conditions:
2-aminoadipic 2-oxoadipic aciduria (AAKAD). Also called: Aminoadipic aciduria; ALPHA-AMINOADIPIC AND ALPHA-KETOADIPIC ACIDURIA. Identifiers: Orphanet 79154, MedGen C1859817, MONDO:0008774, OMIM 204750.

gnomAD v4.1: 5 of 1,614,160 alleles (0.00031%); highest among the groups gnomAD compares: Non-Finnish European, 0.00034%; no homozygotes.

Submission:

Labcorp Genetics (formerly Invitae), Labcorp
Classification: Uncertain significance for 2-aminoadipic 2-oxoadipic aciduria. Last evaluated: 2024-09-03. Review status: criteria provided, single submitter. Criteria: Invitae Variant Classification Sherloc (09022015). Collection method: clinical testing. Allele origin: germline.
Comment: This sequence change replaces lysine, which is basic and polar, with arginine, which is basic and polar, at codon 155 of the DHTKD1 protein (p.Lys155Arg). This variant is present in population databases (no rsID available, gnomAD 0.0009%). This variant has not been reported in the literature in individuals affected with DHTKD1-related conditions. Invitae Evidence Modeling of protein sequence and biophysical properties (such as structural, functional, and spatial information, amino acid conservation, physicochemical variation, residue mobility, and thermodynamic stability) indicates that this missense variant is not expected to disrupt DHTKD1 protein function with a negative predictive value of 80%. In summary, the available evidence is currently insufficient to determine the role of this variant in disease. Therefore, it has been classified as a Variant of Uncertain Significance.